The following is an entry in ClinVar:

ClinVar aggregate classification (germline): Uncertain significance (1 of 4 stars; one submission).

Conditions:
LPL-related disorder. Also called: LPL-related condition.

Submission:

PreventionGenetics, part of Exact Sciences
Classification: Uncertain significance for LPL-related condition. Last evaluated: 2025-09-04. Review status: criteria provided, single submitter. Criteria: ACMG Guidelines, 2015. Collection method: clinical testing. Allele origin: germline.
Comment: The LPL c.182C>T variant is predicted to result in the amino acid substitution p.Ala61Val. This variant was reported in two siblings with severe hypertriglyceridemia (Rabacchi et al. 2015. PubMed ID: 25966443), although it was unclear if this or possibly another variant was the cause of disease in these patients. This variant is reported in 0.0029% of alleles in individuals of Latino descent in gnomAD. At this time, the clinical significance of this variant is uncertain due to the absence of conclusive functional and genetic evidence.

NM_000237.3(LPL):c.182C>T (p.Ala61Val)

Gene: LPL (lipoprotein lipase; plus strand). Cytogenetic location: 8p21.3.
Variant type: single nucleotide variant.
Coding change: c.182C>T on transcript NM_000237.3 (MANE Select); coding-DNA position 182, C replaced by T.
Protein change: p.Ala61Val; replaces alanine 61 with valine.
Molecular consequence: missense variant.
Genome position (GRCh38, 1-based): chr8:19,948,273, C>T. VCF-style: chr8-19948273-C-T. GRCh37 (hg19) VCF-style: chr8-19805784-C-T.
Other names: short protein forms A61V.
Identifiers: ClinVar variation 4988181 (VCV004988181.1).